The following is an entry in ClinVar:

ClinVar aggregate classification (germline): Pathogenic (1 of 4 stars; one submission).

Conditions:
Ehlers-Danlos syndrome, classic type, 1 (EDSCL1). Also called: EHLERS-DANLOS SYNDROME, GRAVIS TYPE; EHLERS-DANLOS SYNDROME, SEVERE CLASSIC TYPE; EDS I; Ehlers-Danlos Syndrome, Classic Type, COL5A1-Related; Ehlers-Danlos syndrome, type 1. Identifiers: MedGen C0268335, MONDO:0019567, OMIM 130000.

Submission:

Labcorp Genetics (formerly Invitae), Labcorp
Classification: Pathogenic for Ehlers-Danlos syndrome, classic type, 1. Last evaluated: 2024-03-01. Review status: criteria provided, single submitter. Criteria: Invitae Variant Classification Sherloc (09022015). Collection method: clinical testing. Allele origin: germline.
Comment: This sequence change creates a premature translational stop signal (p.Gly1225Trpfs*17) in the COL5A1 gene. It is expected to result in an absent or disrupted protein product. Loss-of-function variants in COL5A1 are known to be pathogenic (PMID: 23587214). This variant is not present in population databases (gnomAD no frequency). This variant has not been reported in the literature in individuals affected with COL5A1-related conditions. ClinVar contains an entry for this variant (Variation ID: 1072661). For these reasons, this variant has been classified as Pathogenic.

Literature cited by the submitters: PubMed 23587214.

NM_000093.5(COL5A1):c.3671dup (p.Gly1225fs)

Gene: COL5A1 (collagen type V alpha 1 chain; plus strand). Cytogenetic location: 9q34.3.
Variant type: Duplication.
Coding change: c.3671dup on transcript NM_000093.5 (MANE Select); coding-DNA position 3671, one base duplicated (C; older notation c.3671dupC).
Protein change: p.Gly1225fs; shifts the reading frame from glycine 1225.
Molecular consequence: frameshift variant.
Genome position (GRCh38, 1-based): chr9:134,811,580, C duplicated; the last of 5 consecutive C bases (chr9:134,811,576-134,811,580); duplicating any one gives the same sequence. VCF-style (leftmost placement, unchanged base first): chr9-134811575-A-AC. GRCh37 (hg19) VCF-style: chr9-137703421-A-AC.
Other names: c.3671dup, p.Gly1225fs (NM_001278074.1); short protein forms G1225fs.
Identifiers: ClinVar variation 1072661 (VCV001072661.8), dbSNP rs2132845192, ClinGen allele CA2499219760.